The following is an entry in ClinVar:

ClinVar aggregate classification (germline): Likely benign. Review status: criteria provided, multiple submitters, no conflicts (2 of 4 stars). 2 submissions from 2 submitters: Likely benign (2). Last evaluated 2024-07-09.

Conditions:
Niemann-Pick disease, type C1. Also called: NEUROVISCERAL STORAGE DISEASE WITH VERTICAL SUPRANUCLEAR OPHTHALMOPLEGIA; NIEMANN-PICK DISEASE WITH CHOLESTEROL ESTERIFICATION BLOCK; NIEMANN-PICK DISEASE WITHOUT SPHINGOMYELINASE DEFICIENCY; NIEMANN-PICK DISEASE, CHRONIC NEURONOPATHIC FORM; NIEMANN-PICK DISEASE, VARIANT TYPE C1. Identifiers: Orphanet 646, MedGen C3179455, MONDO:0009757, OMIM 257220.

Submissions (2):

Women's Health and Genetics/Laboratory Corporation of America, LabCorp
Classification: Likely benign. Last evaluated: 2024-07-09. Review status: criteria provided, single submitter. Criteria: LabCorp Variant Classification Summary - May 2015. Collection method: clinical testing. Allele origin: germline.
Comment: Variant summary: NPC1 c.339T>C alters a non-conserved nucleotide resulting in a synonymous change. Consensus agreement among computation tools predict no significant impact on normal splicing. However, these predictions have yet to be confirmed by functional studies. The variant was absent in 251384 control chromosomes. The available data on variant occurrences in the general population are insufficient to allow any conclusion about variant significance. To our knowledge, no occurrence of c.339T>C in individuals affected with Niemann-Pick Disease Type C and no experimental evidence demonstrating its impact on protein function have been reported. ClinVar contains an entry for this variant (Variation ID: 2857763). Based on the evidence outlined above, the variant was classified as likely benign.

Labcorp Genetics (formerly Invitae), Labcorp
Classification: Likely benign for Niemann-Pick disease, type C1. Last evaluated: 2023-04-20. Review status: criteria provided, single submitter. Criteria: Invitae Variant Classification Sherloc (09022015). Collection method: clinical testing. Allele origin: germline.

NM_000271.5(NPC1):c.339T>C (p.Cys113=)

Gene: NPC1 (NPC intracellular cholesterol transporter 1; minus strand). Cytogenetic location: 18q11.2.
Variant type: single nucleotide variant.
Coding change: c.339T>C on transcript NM_000271.5 (MANE Select); coding-DNA position 339, T replaced by C.
Protein change: p.Cys113=; no amino-acid change (cysteine 113 retained).
Molecular consequence: synonymous variant.
Genome position (GRCh38, 1-based): chr18:23,568,947, A>G on the plus strand (T>C on the coding strand, the complement: NPC1 is on the minus strand). VCF-style: chr18-23568947-A-G. GRCh37 (hg19) VCF-style: chr18-21148911-A-G.
Identifiers: ClinVar variation 2857763 (VCV002857763.4), dbSNP rs2059164609, ClinGen allele CA503325661.